The following is an entry in ClinVar:

ClinVar aggregate classification (germline): Uncertain significance (1 of 4 stars; one submission).

Conditions:
Brugada syndrome. Also called: Sudden unexpected nocturnal death syndrome; Sudden unexplained nocturnal death syndrome; Sudden Unexplained Death Syndrome; Sudden Unexplained Nocturnal Death Syndrome (SUNDS). Identifiers: Orphanet 130, MedGen C1142166, MONDO:0015263.

Submission:

Labcorp Genetics (formerly Invitae), Labcorp
Classification: Uncertain significance for Brugada syndrome. Last evaluated: 2025-12-19. Review status: criteria provided, single submitter. Criteria: Invitae Variant Classification Sherloc (09022015). Collection method: clinical testing. Allele origin: germline.
Comment: This sequence change replaces leucine, which is neutral and non-polar, with valine, which is neutral and non-polar, at codon 554 of the SCN10A protein (p.Leu554Val). This variant is not present in population databases (gnomAD no frequency). This variant has not been reported in the literature in individuals affected with SCN10A-related conditions. Invitae Evidence Modeling of protein sequence and biophysical properties (such as structural, functional, and spatial information, amino acid conservation, physicochemical variation, residue mobility, and thermodynamic stability) indicates that this missense variant is not expected to disrupt SCN10A protein function with a negative predictive value of 95%. In summary, the available evidence is currently insufficient to determine the role of this variant in disease. Therefore, it has been classified as a Variant of Uncertain Significance.

NM_006514.4(SCN10A):c.1660C>G (p.Leu554Val)

Gene: SCN10A (sodium voltage-gated channel alpha subunit 10; minus strand). Cytogenetic location: 3p22.2.
Variant type: single nucleotide variant.
Coding change: c.1660C>G on transcript NM_006514.4 (MANE Select); coding-DNA position 1660, C replaced by G.
Protein change: p.Leu554Val; replaces leucine 554 with valine.
Molecular consequence: missense variant. On other transcripts: intron variant (1).
Genome position (GRCh38, 1-based): chr3:38,752,314, G>C on the plus strand (C>G on the coding strand, the complement: SCN10A is on the minus strand). VCF-style: chr3-38752314-G-C. GRCh37 (hg19) VCF-style: chr3-38793805-G-C.
Other names: c.1660C>G, p.Leu554Val (NM_001293306.2); c.1462-2130C>G (NM_001293307.2); short protein forms L554V.
Identifiers: ClinVar variation 4753383 (VCV004753383.1).